The following is an entry in ClinVar:

ClinVar aggregate classification (germline): Benign/Likely benign. Review status: criteria provided, multiple submitters, no conflicts (2 of 4 stars). 6 submissions from 6 submitters: Benign (2); Likely benign (3). 1 of the submissions does not count toward it. Last evaluated 2026-02-02.

Conditions:
Mucopolysaccharidosis, MPS-III-B (MPS3B). Also called: MPS III B; N-ACETYL-ALPHA-D-GLUCOSAMINIDASE DEFICIENCY; NAGLU DEFICIENCY; SANFILIPPO SYNDROME B; MUCOPOLYSACCHARIDOSIS, TYPE IIIB; Mucopolysaccharidosis type IIIB (Sanfilippo B). Identifiers: Orphanet 79270, MedGen C0086648, MONDO:0009656, OMIM 252920.
Charcot-Marie-Tooth disease axonal type 2V. Also called: CHARCOT-MARIE-TOOTH NEUROPATHY, TYPE 2V; CHARCOT-MARIE-TOOTH DISEASE, AXONAL, AUTOSOMAL DOMINANT, TYPE 2V. Identifiers: Orphanet 447964, MedGen C5569050, MONDO:0014665, OMIM 616491.
NAGLU-related disorder. Also called: NAGLU-related condition.

Allele frequency attached by ClinVar (database versions not stated): TOPMed 0.00120; 1000 Genomes Project 0.00200; 1000 Genomes Project 30x 0.00219; gnomAD exomes 0.00016 and 0.00067; gnomAD 0.00063 and 0.00064; ExAC 0.00075.
gnomAD v4.1: 367 of 1,610,750 alleles (0.023%); highest among the groups gnomAD compares: Admixed American, 0.51%; 2 homozygotes.

Submissions (6):

Labcorp Genetics (formerly Invitae), Labcorp
Classification: Benign for Charcot-Marie-Tooth disease axonal type 2V; Mucopolysaccharidosis, MPS-III-B. Last evaluated: 2026-02-02. Review status: criteria provided, single submitter. Criteria: Invitae Variant Classification Sherloc (09022015). Collection method: clinical testing. Allele origin: germline.

CeGaT Center for Human Genetics Tuebingen
Classification: Likely benign. Last evaluated: 2025-10-01. Review status: criteria provided, single submitter. Criteria: CeGaT Center For Human Genetics Tuebingen Variant Classification Criteria Version 2. Collection method: clinical testing. Allele origin: germline. Affected: yes. Observed: 1 variant allele.
Comment: NAGLU: BP4, BP7

PreventionGenetics, part of Exact Sciences
Classification: Likely benign for NAGLU-related condition. Last evaluated: 2024-12-04. Review status: criteria provided, single submitter. Criteria: ACMG Guidelines, 2015. Collection method: clinical testing. Allele origin: germline.
Comment: This variant is classified as likely benign based on ACMG/AMP sequence variant interpretation guidelines (Richards et al. 2015 PMID: 25741868, with internal and published modifications).

Blueprint Genetics
Classification: Likely benign. Last evaluated: 2024-09-09. Review status: criteria provided, single submitter. Criteria: ACMG Guidelines, 2015. Collection method: clinical testing. Allele origin: germline.

Breakthrough Genomics
Classification: Benign. Review status: criteria provided, single submitter. Criteria: ACMG Guidelines, 2015. Collection method: not provided. Allele origin: germline. Inheritance: Autosomal recessive inheritance. Affected: yes.

Natera, Inc.
Classification: Benign for Mucopolysaccharidosis type IIIB. Last evaluated: 2020-09-16. Review status: no assertion criteria provided. Collection method: clinical testing. Allele origin: germline. Not counted in ClinVar's aggregate classification.

NM_000263.4(NAGLU):c.1983G>A (p.Lys661=)

Gene: NAGLU (N-acetyl-alpha-glucosaminidase; plus strand). Cytogenetic location: 17q21.2.
Variant type: single nucleotide variant.
Coding change: c.1983G>A on transcript NM_000263.4 (MANE Select); coding-DNA position 1983, G replaced by A.
Protein change: p.Lys661=; no amino-acid change (lysine 661 retained).
Molecular consequence: synonymous variant.
Genome position (GRCh38, 1-based): chr17:42,543,989, G>A. VCF-style: chr17-42543989-G-A. GRCh37 (hg19) VCF-style: chr17-40696007-G-A.
Identifiers: ClinVar variation 475803 (VCV000475803.22), dbSNP rs181021573, ClinGen allele CA8577126.
Genomic context (GRCh38, chr17:42,543,989, plus strand): 5'-CAGCCGCTACCAGCTGACCTTGTGGGGGCCAGAAGGCAACATCCTGGACTATGCCAACAA[G>A]CAGCTGGCGGGGTTGGTGGCCAACTACTACACCCCTCGCTGGCGGCTTTTCCTGGAGGCG-3'
Protein context (NP_000254.2, residues 651-671): PEGNILDYAN[Lys661=]QLAGLVANYY